The following is an entry in ClinVar:

ClinVar aggregate classification (germline): Uncertain significance (1 of 4 stars; one submission).

Conditions:
Familial thoracic aortic aneurysm and aortic dissection (TAAD). Also called: Thoracic aortic aneurysms and dissections. Identifiers: Orphanet 91387, MedGen C4707243, MONDO:0019625.

Submission:

Ambry Genetics
Classification: Uncertain significance for Familial thoracic aortic aneurysm and aortic dissection. Last evaluated: 2026-02-22. Review status: criteria provided, single submitter. Criteria: Ambry Variant Classification Scheme 2023. Collection method: clinical testing. Allele origin: germline.
Comment: The p.P2404L variant (also known as c.7211C>T), located in coding exon 43 of the FLNA gene, results from a C to T substitution at nucleotide position 7211. The proline at codon 2404 is replaced by leucine, an amino acid with similar properties. This amino acid position is conserved. In addition, this alteration is predicted to be deleterious by in silico analysis. Based on the available evidence, the clinical significance of this variant remains unclear.

NM_001110556.2(FLNA):c.7235C>T (p.Pro2412Leu)

Gene: FLNA (filamin A; minus strand). Cytogenetic location: Xq28.
Variant type: single nucleotide variant.
Coding change: c.7235C>T on transcript NM_001110556.2 (MANE Select); coding-DNA position 7235, C replaced by T.
Protein change: p.Pro2412Leu; replaces proline 2412 with leucine.
Molecular consequence: missense variant.
Genome position (GRCh38, 1-based): chrX:154,350,129, G>A on the plus strand (C>T on the coding strand, the complement: FLNA is on the minus strand). VCF-style: chrX-154350129-G-A. GRCh37 (hg19) VCF-style: chrX-153578497-G-A.
Other names: c.7211C>T, p.Pro2404Leu (NM_001456.4); short protein forms P2404L, P2412L.
Identifiers: ClinVar variation 4826353 (VCV004826353.1).
Genomic context (GRCh38, chrX:154,350,129, plus strand): 5'-ACCAAGCCTGGGTCCCCTCCATGCCCAGGCTCCCCAACTCGGATCTTGAAGGGGCTTCCA[G>A]GGATGTGGGTGCCGTTGAACTTGACGTCAATCAGGTAAACGCCATTCTCCCGAGGGATGA-3'
Protein context (NP_001104026.1, residues 2402-2422): IDVKFNGTHI[Pro2412Leu]GSPFKIRVGE